The following is an entry in ClinVar:

ClinVar aggregate classification (germline): Conflicting classifications of pathogenicity. Review status: criteria provided, conflicting classifications (1 of 4 stars). 2 submissions from 2 submitters: Uncertain significance (1); Likely benign (1). Last evaluated 2026-08-01.

Conditions:
Congenital myopathy 4B, autosomal recessive. Also called: Nemaline myopathy 1, autosomal dominant or recessive. Identifiers: Orphanet 171433, Orphanet 171439, Orphanet 171881, MedGen C5829889, MONDO:0012239, OMIM 609284.
Congenital myopathy with fiber type disproportion. Also called: Congenital fiber-type disproportion myopathy; Congenital fiber-type disproportion. Identifiers: Orphanet 2020, MedGen C0546264, MONDO:0009711. Inheritance: all.

Allele frequency attached by ClinVar (database versions not stated): 1000 Genomes Project 30x 0.00062; gnomAD 0.00002; TOPMed 0.00002; 1000 Genomes Project 0.00040.
gnomAD v4.1: 15 of 1,614,208 alleles (0.00093%); highest among the groups gnomAD compares: Admixed American, 0.017%; no homozygotes.

Submissions (2):

CeGaT Center for Human Genetics Tuebingen
Classification: Uncertain significance. Last evaluated: 2026-08-01. Review status: criteria provided, single submitter. Criteria: CeGaT Center For Human Genetics Tuebingen Variant Classification Criteria Version 2. Collection method: clinical testing. Allele origin: germline. Affected: yes. Observed: 1 variant allele.
Comment: TPM3: PM2:Supporting, BP4

Labcorp Genetics (formerly Invitae), Labcorp
Classification: Likely benign for Congenital myopathy with fiber type disproportion; Congenital myopathy 4B, autosomal recessive. Last evaluated: 2024-01-02. Review status: criteria provided, single submitter. Criteria: Invitae Variant Classification Sherloc (09022015). Collection method: clinical testing. Allele origin: germline.

NM_152263.4(TPM3):c.796C>T (p.Leu266=)

Gene: TPM3 (tropomyosin 3; minus strand). Cytogenetic location: 1q21.3.
Variant type: single nucleotide variant.
Coding change: c.796C>T on transcript NM_152263.4 (MANE Select); coding-DNA position 796, C replaced by T.
Protein change: p.Leu266=; no amino-acid change (leucine 266 retained).
Molecular consequence: synonymous variant. On other transcripts: intron variant (10).
Genome position (GRCh38, 1-based): chr1:154,169,363, G>A on the plus strand (C>T on the coding strand, the complement: TPM3 is on the minus strand). VCF-style: chr1-154169363-G-A. GRCh37 (hg19) VCF-style: chr1-154141839-G-A.
Other names: c.685C>T, p.Leu229= (NM_001278189.2, NM_001349679.2, NM_001364683.1); c.796C>T, p.Leu266= (NM_001364682.1); c.775+1037C>T (NM_001364679.2, NM_001364681.2, NM_001364680.2); c.466+1037C>T (NM_001278188.2); c.664+1037C>T (NM_001043351.2, NM_001043353.2, NM_153649.4 and 1 more transcripts); c.601+1037C>T (NM_001278190.2); c.394+1037C>T (NM_001278191.2).
Identifiers: ClinVar variation 1100030 (VCV001100030.10), dbSNP rs189530777, ClinGen allele CA1125510.